The following is an entry in ClinVar:

NM_000435.3(NOTCH3):c.1527C>T (p.Asp509=)

Gene: NOTCH3 (notch receptor 3; minus strand). Cytogenetic location: 19p13.12.
Variant type: single nucleotide variant.
Coding change: c.1527C>T on transcript NM_000435.3 (MANE Select); coding-DNA position 1527, C replaced by T.
Protein change: p.Asp509=; no amino-acid change (aspartic acid 509 retained).
Molecular consequence: synonymous variant.
Genome position (GRCh38, 1-based): chr19:15,187,960, G>A on the plus strand (C>T on the coding strand, the complement: NOTCH3 is on the minus strand). VCF-style: chr19-15187960-G-A. GRCh37 (hg19) VCF-style: chr19-15298771-G-A.
Other names: p.Asp509=.
Identifiers: ClinVar variation 4684326 (VCV004684326.3).

ClinVar aggregate classification (germline): Benign/Likely benign. Review status: criteria provided, multiple submitters, no conflicts (2 of 4 stars). 3 submissions from 3 submitters: Benign (1); Likely benign (2). Last evaluated 2026-08-01.

gnomAD v4.1: 92 of 1,550,710 alleles (0.0059%); highest among the groups gnomAD compares: South Asian, 0.095%; 5 homozygotes.

Submissions (3):

CeGaT Center for Human Genetics Tuebingen
Classification: Likely benign. Last evaluated: 2026-08-01. Review status: criteria provided, single submitter. Criteria: CeGaT Center For Human Genetics Tuebingen Variant Classification Criteria Version 2. Collection method: clinical testing. Allele origin: germline. Affected: yes. Observed: 1 variant allele.
Comment: NOTCH3: BP4, BP7

Labcorp Genetics (formerly Invitae), Labcorp
Classification: Benign. Last evaluated: 2025-10-21. Review status: criteria provided, single submitter. Criteria: Invitae Variant Classification Sherloc (09022015). Collection method: clinical testing. Allele origin: germline.

Mayo Clinic Laboratories, Mayo Clinic
Classification: Likely benign. Last evaluated: 2025-09-26. Review status: criteria provided, single submitter. Criteria: ACMG Guidelines, 2015. Collection method: clinical testing. Allele origin: germline. Observed: 1 variant allele.
Comment: BS1, BP4, BP7